The following is an entry in ClinVar:

NM_022772.4(EPS8L2):c.961A>G (p.Ile321Val)

Gene: EPS8L2 (EPS8 signaling adaptor L2; plus strand). Cytogenetic location: 11p15.5.
Variant type: single nucleotide variant.
Coding change: c.961A>G on transcript NM_022772.4 (MANE Select); coding-DNA position 961, A replaced by G.
Protein change: p.Ile321Val; replaces isoleucine 321 with valine.
Molecular consequence: missense variant.
Genome position (GRCh38, 1-based): chr11:721,968, A>G. VCF-style: chr11-721968-A-G. GRCh37 (hg19) VCF-style: chr11-721968-A-G.
Other names: short protein forms I321V.
Identifiers: ClinVar variation 2458201 (VCV002458201.17), dbSNP rs151294547, ClinGen allele CA5787388.
Genomic context (GRCh38, chr11:721,968, plus strand): 5'-GTCCTCACACTGCGGGCACGGCCCCCCTCTGAGGGCGAGTTCATCGACTGCTTCCAGAAA[A>G]TCAAGCTGGCGATTAACTTGCTGGTGGGTCCGGTGGCCCCAGCCCTGCCCCACTGTCTGT-3'
Protein context (NP_073609.2, residues 311-331): EGEFIDCFQK[Ile321Val]KLAINLLAKL

ClinVar aggregate classification (germline): Conflicting classifications of pathogenicity. Review status: criteria provided, conflicting classifications (1 of 4 stars). 4 submissions from 4 submitters: Uncertain significance (3); Likely benign (1). Last evaluated 2026-05-12.

Conditions:
EPS8L2-related disorder. Also called: EPS8L2-related condition.

Allele frequency attached by ClinVar (database versions not stated): gnomAD 0.00005; TOPMed 0.00011; ExAC 0.00013; gnomAD exomes 0.00015; ESP Exome Variant Server 0.00023.
gnomAD v4.1: 222 of 1,604,724 alleles (0.014%); highest among the groups gnomAD compares: Non-Finnish European, 0.018%; 1 homozygote.

Submissions (4):

PreventionGenetics, part of Exact Sciences
Classification: Uncertain significance for EPS8L2-related condition. Last evaluated: 2026-05-12. Review status: criteria provided, single submitter. Criteria: ACMG Guidelines, 2015. Collection method: clinical testing. Allele origin: germline.
Comment: The EPS8L2 c.961A>G variant is predicted to result in the amino acid substitution p.Ile321Val. To our knowledge, this variant has not been reported in the literature. This variant is reported in 0.021% of alleles in individuals of European (Non-Finnish) descent in gnomAD. At this time, the clinical significance of this variant is uncertain due to the absence of conclusive functional and genetic evidence.

Ambry Genetics
Classification: Uncertain significance. Last evaluated: 2025-10-18. Review status: criteria provided, single submitter. Criteria: Ambry Variant Classification Scheme 2023. Collection method: clinical testing. Allele origin: germline.

Labcorp Genetics (formerly Invitae), Labcorp
Classification: Uncertain significance. Last evaluated: 2025-09-30. Review status: criteria provided, single submitter. Criteria: Invitae Variant Classification Sherloc (09022015). Collection method: clinical testing. Allele origin: germline.
Comment: This sequence change replaces isoleucine, which is neutral and non-polar, with valine, which is neutral and non-polar, at codon 321 of the EPS8L2 protein (p.Ile321Val). This variant is present in population databases (rs151294547, gnomAD 0.02%). This variant has not been reported in the literature in individuals affected with EPS8L2-related conditions. ClinVar contains an entry for this variant (Variation ID: 2458201). An algorithm developed to predict the effect of missense changes on protein structure and function (PolyPhen-2) suggests that this variant is likely to be tolerated. In summary, the available evidence is currently insufficient to determine the role of this variant in disease. Therefore, it has been classified as a Variant of Uncertain Significance.

CeGaT Center for Human Genetics Tuebingen
Classification: Likely benign. Last evaluated: 2025-02-01. Review status: criteria provided, single submitter. Criteria: CeGaT Center For Human Genetics Tuebingen Variant Classification Criteria Version 2. Collection method: clinical testing. Allele origin: germline. Affected: yes. Observed: 1 variant allele.
Comment: EPS8L2: BP4